The following is an entry in ClinVar:

NM_001363711.2(DUOX2):c.4015T>G (p.Trp1339Gly)

Gene: DUOX2 (dual oxidase 2; minus strand). Cytogenetic location: 15q21.1.
Variant type: single nucleotide variant.
Coding change: c.4015T>G on transcript NM_001363711.2 (MANE Select); coding-DNA position 4015, T replaced by G.
Protein change: p.Trp1339Gly; replaces tryptophan 1339 with glycine.
Molecular consequence: missense variant.
Genome position (GRCh38, 1-based): chr15:45,095,893, A>C on the plus strand (T>G on the coding strand, the complement: DUOX2 is on the minus strand). VCF-style: chr15-45095893-A-C. GRCh37 (hg19) VCF-style: chr15-45388091-A-C.
Other names: c.4015T>G, p.Trp1339Gly (NM_014080.5); short protein forms W1339G.
Identifiers: ClinVar variation 2801216 (VCV002801216.3), dbSNP rs1893887575, ClinGen allele CA392253610.

ClinVar aggregate classification (germline): Uncertain significance (1 of 4 stars; one submission).

Allele frequency attached by ClinVar (database versions not stated): TOPMed below 0.00001.
gnomAD v4.1: 1 of 1,611,848 alleles (0.000062%); highest among the groups gnomAD compares: Non-Finnish European, 0.000085%; no homozygotes.

Submission:

Labcorp Genetics (formerly Invitae), Labcorp
Classification: Uncertain significance. Last evaluated: 2024-01-01. Review status: criteria provided, single submitter. Criteria: Invitae Variant Classification Sherloc (09022015). Collection method: clinical testing. Allele origin: germline.
Comment: This sequence change replaces tryptophan, which is neutral and slightly polar, with glycine, which is neutral and non-polar, at codon 1339 of the DUOX2 protein (p.Trp1339Gly). This variant is not present in population databases (gnomAD no frequency). This variant has not been reported in the literature in individuals affected with DUOX2-related conditions. Advanced modeling of protein sequence and biophysical properties (such as structural, functional, and spatial information, amino acid conservation, physicochemical variation, residue mobility, and thermodynamic stability) performed at Invitae indicates that this missense variant is expected to disrupt DUOX2 protein function with a positive predictive value of 80%. In summary, the available evidence is currently insufficient to determine the role of this variant in disease. Therefore, it has been classified as a Variant of Uncertain Significance.